The following is an entry in ClinVar:

ClinVar aggregate classification (germline): Pathogenic (1 of 4 stars; one submission).

Submission:

Labcorp Genetics (formerly Invitae), Labcorp
Classification: Pathogenic. Last evaluated: 2023-11-19. Review status: criteria provided, single submitter. Criteria: Invitae Variant Classification Sherloc (09022015). Collection method: clinical testing. Allele origin: unknown.
Comment: A gross deletion of the genomic region encompassing the full coding sequence of the CEP152 gene has been identified. Loss-of-function variants in CEP152 are known to be pathogenic (PMID: 21131973). The boundaries of this event are unknown as they extend beyond the assayed region for this gene and therefore may encompass additional genes. This variant has not been reported in the literature in individuals affected with CEP152-related conditions. For these reasons, this variant has been classified as Pathogenic.

Literature cited by the submitters: PubMed 21131973.

NC_000015.9:g.(?_48413242)_(49097846_?)del

Genes: CEP152 (centrosomal protein 152; minus strand), CTXN2 (cortexin 2; plus strand), DUT (deoxyuridine triphosphatase; plus strand), FBN1 (fibrillin 1; minus strand), MYEF2 (myelin expression factor 2; minus strand) and 2 more. Cytogenetic location: 15q21.1.
Variant type: Deletion.
Identifiers: ClinVar variation 3243886 (VCV003243886.1).